The following is an entry in ClinVar:

ClinVar aggregate classification (germline): Conflicting classifications of pathogenicity. Review status: criteria provided, conflicting classifications (1 of 4 stars). 2 submissions from 2 submitters: Uncertain significance (1); Likely benign (1). Last evaluated 2026-05-14.

Conditions:
SEMA3B-related disorder. Also called: SEMA3B-related condition.

Submissions (2):

PreventionGenetics, part of Exact Sciences
Classification: Likely benign for SEMA3B-related condition. Last evaluated: 2026-05-14. Review status: criteria provided, single submitter. Criteria: ACMG Guidelines, 2015. Collection method: clinical testing. Allele origin: germline.
Comment: This variant is classified as likely benign based on ACMG/AMP sequence variant interpretation guidelines (Richards et al. 2015 PMID: 25741868, with internal and published modifications).

Ambry Genetics
Classification: Uncertain significance. Last evaluated: 2025-03-11. Review status: criteria provided, single submitter. Criteria: Ambry Variant Classification Scheme 2023. Collection method: clinical testing. Allele origin: germline.

NM_001290060.2(SEMA3B):c.2225G>A (p.Gly742Glu)

Gene: SEMA3B (semaphorin 3B; plus strand). Cytogenetic location: 3p21.31.
Variant type: single nucleotide variant.
Coding change: c.2225G>A on transcript NM_001290060.2 (MANE Select); coding-DNA position 2225, G replaced by A.
Protein change: p.Gly742Glu; replaces glycine 742 with glutamic acid.
Molecular consequence: missense variant. On other transcripts: non-coding transcript variant (1).
Genome position (GRCh38, 1-based): chr3:50,276,681, G>A. VCF-style: chr3-50276681-G-A. GRCh37 (hg19) VCF-style: chr3-50314112-G-A.
Other names: c.2222G>A, p.Gly741Glu (NM_001005914.3); c.2240G>A, p.Gly747Glu (NM_001290061.1); c.1196G>A, p.Gly399Glu (NM_001290062.2, NM_001290063.2); c.2225G>A, p.Gly742Glu (NM_004636.4); short protein forms G742E, G741E, G747E, G399E.
Identifiers: ClinVar variation 3794036 (VCV003794036.2).